The following is an entry in ClinVar:

ClinVar aggregate classification (germline): Likely pathogenic (1 of 4 stars; one submission).

Conditions:
Polycystic kidney disease 4 (PKD4). Also called: POLYCYSTIC KIDNEY AND HEPATIC DISEASE 1; POLYCYSTIC KIDNEY DISEASE, INFANTILE, TYPE I; POLYCYSTIC KIDNEY DISEASE 4 WITH OR WITHOUT POLYCYSTIC LIVER DISEASE; PKD3; Autosomal Recessive Polycystic Kidney Disease – PKHD1. Identifiers: MedGen C4540575, MONDO:0033004, OMIM 263200.

Submission:

Laboratoire Génétique Moléculaire, CHRU TOURS
Classification: Likely pathogenic for Polycystic kidney disease 4. Last evaluated: 2025-04-02. Review status: criteria provided, single submitter. Criteria: ACMG Guidelines, 2015. Collection method: clinical testing. Allele origin: biparental. Affected: yes.
Comment: PM2;PM3;PP4;PP5

NM_138694.4(PKHD1):c.3561-10T>G

Gene: PKHD1 (PKHD1 ciliary IPT domain containing fibrocystin/polyductin; minus strand). Cytogenetic location: 6p12.2.
Variant type: single nucleotide variant.
Coding change: c.3561-10T>G on transcript NM_138694.4 (MANE Select); 10 bases into the intron before coding-DNA position 3561, T replaced by G.
Molecular consequence: intron variant.
Genome position (GRCh38, 1-based): chr6:52,027,906, A>C on the plus strand (T>G on the coding strand, the complement: PKHD1 is on the minus strand). VCF-style: chr6-52027906-A-C. GRCh37 (hg19) VCF-style: chr6-51892704-A-C.
Other names: c.3561-10T>G (NM_170724.3).
Identifiers: ClinVar variation 4294398 (VCV004294398.1).
Genomic context (GRCh38, chr6:52,027,906, plus strand): 5'-CAAGGCTCGATGCTGAAAACTTCTGTGAGGTACTGGATGTGGAGATCAACCCTACAGAAG[A>C]TAGGCAGATGTTTAGGAAATAACTGACAGAGAGAGATAAGAAAGAGTAAGCCAGAAGAGC-3'